The following is an entry in ClinVar:

ClinVar aggregate classification (germline): Pathogenic (1 of 4 stars; one submission).

Conditions:
Episodic kinesigenic dyskinesia 1 (EKD1). Also called: DYSTONIA, FAMILIAL PAROXYSMAL; PAROXYSMAL KINESIGENIC CHOREOATHETOSIS; Dystonia 10; PRRT2-Related Paroxysmal Kinesigenic Dyskinesia (PKD); PxMD-PRRT2. Identifiers: Orphanet 98809, MedGen C4552000, MONDO:0100352, OMIM 128200, MONDO:0007494.

Submission:

Women's Health and Genetics/Laboratory Corporation of America, LabCorp
Classification: Pathogenic for Episodic kinesigenic dyskinesia 1. Last evaluated: 2025-07-22. Review status: criteria provided, single submitter. Criteria: LabCorp Variant Classification Summary - May 2015. Collection method: clinical testing. Allele origin: germline.
Comment: Variant summary: PRRT2 c.801_802delCT (p.Asp267GlufsX73) results in a premature termination codon, predicted to cause a truncation of the encoded protein or absence of the protein due to nonsense mediated decay, which are commonly known mechanisms for disease. The variant was absent in 250990 control chromosomes. To our knowledge, no occurrence of c.801_802delCT in individuals affected with Episodic Kinesigenic Dyskinesia 1 and no experimental evidence demonstrating its impact on protein function have been reported. At least one downstream variant has been classified as Pathogenic in ClinVar (c.1007del, p.Asn335_Leu336insTer). No submitters have cited clinical-significance assessments for this variant to ClinVar. Based on the evidence outlined above, the variant was classified as pathogenic.

NM_145239.3(PRRT2):c.801_802del (p.Asp267fs)

Genes: MVP-DT (MVP divergent transcript; minus strand), PRRT2 (proline rich transmembrane protein 2; plus strand). Cytogenetic location: 16p11.2.
Variant type: Deletion.
Coding change: c.801_802del on transcript NM_145239.3 (MANE Select); coding-DNA positions 801 to 802, 2 bases deleted (CT; older notation c.801_802delCT).
Protein change: p.Asp267fs; shifts the reading frame from aspartic acid 267.
Molecular consequence: frameshift variant.
Genome position (GRCh38, 1-based): chr16:29,813,855-29,813,856, CT deleted. VCF-style (leftmost placement, unchanged base first): chr16-29813854-ACT-A. GRCh37 (hg19) VCF-style: chr16-29825175-ACT-A.
Other names: c.801_802del, p.Asp267fs (NM_001256442.2, NM_001256443.2, NM_001438120.1 and 2 more transcripts); c.801_802delCT (NM_145239.3); short protein forms D267fs.
Identifiers: ClinVar variation 4526177 (VCV004526177.1).